The following is an entry in ClinVar:

ClinVar aggregate classification (germline): Likely pathogenic (1 of 4 stars; one submission).

Conditions:
Familial hemophagocytic lymphohistiocytosis 3 (FHL3). Also called: UNC13D-Related Familial Hemophagocytic Lymphohistiocytosis (UNC13D-fHLH). Identifiers: Orphanet 540, MedGen C1837174, MONDO:0012146, OMIM 608898.

Submission:

Labcorp Genetics (formerly Invitae), Labcorp
Classification: Likely pathogenic for Familial hemophagocytic lymphohistiocytosis 3. Last evaluated: 2024-01-21. Review status: criteria provided, single submitter. Criteria: Invitae Variant Classification Sherloc (09022015). Collection method: clinical testing. Allele origin: germline.
Comment: This sequence change affects an acceptor splice site in intron 11 of the UNC13D gene. It is expected to disrupt RNA splicing. Variants that disrupt the donor or acceptor splice site typically lead to a loss of protein function (PMID: 16199547), and loss-of-function variants in UNC13D are known to be pathogenic (PMID: 14622600). This variant is present in population databases (no rsID available, gnomAD 0.0009%). This variant has not been reported in the literature in individuals affected with UNC13D-related conditions. Algorithms developed to predict the effect of sequence changes on RNA splicing suggest that this variant may disrupt the consensus splice site. In summary, the currently available evidence indicates that the variant is pathogenic, but additional data are needed to prove that conclusively. Therefore, this variant has been classified as Likely Pathogenic.

Literature cited by the submitters: PubMed 16199547; PubMed 14622600.

NM_199242.3(UNC13D):c.952-2A>G

Gene: UNC13D (unc-13 homolog D; minus strand). Cytogenetic location: 17q25.1.
Variant type: single nucleotide variant.
Coding change: c.952-2A>G on transcript NM_199242.3 (MANE Select); the canonical splice acceptor site of the intron before coding-DNA position 952, A replaced by G.
Molecular consequence: splice acceptor variant.
Genome position (GRCh38, 1-based): chr17:75,839,944, T>C on the plus strand (A>G on the coding strand, the complement: UNC13D is on the minus strand). VCF-style: chr17-75839944-T-C. GRCh37 (hg19) VCF-style: chr17-73836025-T-C.
Identifiers: ClinVar variation 2709285 (VCV002709285.3), dbSNP rs1252952514, ClinGen allele CA401106972.